The following is an entry in ClinVar:

ClinVar aggregate classification (germline): Uncertain significance (1 of 4 stars; one submission).

Submission:

Labcorp Genetics (formerly Invitae), Labcorp
Classification: Uncertain significance. Last evaluated: 2024-08-28. Review status: criteria provided, single submitter. Criteria: Invitae Variant Classification Sherloc (09022015). Collection method: clinical testing. Allele origin: germline.
Comment: This sequence change replaces aspartic acid, which is acidic and polar, with asparagine, which is neutral and polar, at codon 229 of the MMP2 protein (p.Asp229Asn). This variant is present in population databases (rs775496486, gnomAD 0.007%). This variant has not been reported in the literature in individuals affected with MMP2-related conditions. Invitae Evidence Modeling of protein sequence and biophysical properties (such as structural, functional, and spatial information, amino acid conservation, physicochemical variation, residue mobility, and thermodynamic stability) indicates that this missense variant is not expected to disrupt MMP2 protein function with a negative predictive value of 80%. In summary, the available evidence is currently insufficient to determine the role of this variant in disease. Therefore, it has been classified as a Variant of Uncertain Significance.

NM_004530.6(MMP2):c.685G>A (p.Asp229Asn)

Gene: MMP2 (matrix metallopeptidase 2; plus strand). Cytogenetic location: 16q12.2.
Variant type: single nucleotide variant.
Coding change: c.685G>A on transcript NM_004530.6 (MANE Select); coding-DNA position 685, G replaced by A.
Protein change: p.Asp229Asn; replaces aspartic acid 229 with asparagine.
Molecular consequence: missense variant.
Genome position (GRCh38, 1-based): chr16:55,485,630, G>A. VCF-style: chr16-55485630-G-A. GRCh37 (hg19) VCF-style: chr16-55519542-G-A.
Other names: c.535G>A, p.Asp179Asn (NM_001127891.3); c.457G>A, p.Asp153Asn (NM_001302508.1, NM_001302509.2, NM_001302510.2); short protein forms D153N, D179N, D229N.
Identifiers: ClinVar variation 3617359 (VCV003617359.1).
Genomic context (GRCh38, chr16:55,485,630, plus strand): 5'-AAGTCCAACCTCCCCCTTCCATGTCACTCTTTAGTGGTCCGTGTGAAGTATGGGAACGCC[G>A]ATGGGGAGTACTGCAAGTTCCCCTTCTTGTTCAATGGCAAGGAGTACAACAGCTGCACTG-3'
Protein context (NP_004521.1, residues 219-239): QVVRVKYGNA[Asp229Asn]GEYCKFPFLF